The following is an entry in ClinVar:

NM_000062.3(SERPING1):c.550+2T>C

Gene: SERPING1 (serpin family G member 1; plus strand). Cytogenetic location: 11q12.1.
Variant type: single nucleotide variant.
Coding change: c.550+2T>C on transcript NM_000062.3 (MANE Select); the canonical splice donor site of the intron after coding-DNA position 550, T replaced by C.
Molecular consequence: splice donor variant.
Genome position (GRCh38, 1-based): chr11:57,600,379, T>C. VCF-style: chr11-57600379-T-C. GRCh37 (hg19) VCF-style: chr11-57367852-T-C.
Other names: c.550+2T>C (NM_001032295.2).
Identifiers: ClinVar variation 2137093 (VCV002137093.4), dbSNP rs112666115, ClinGen allele CA380695725.
Genomic context (GRCh38, chr11:57,600,379, plus strand): 5'-GACCAACATGGCCTTTTCCCCATTCAGCATCGCCAGCCTCCTTACCCAGGTCCTGCTCGG[T>C]AAGACCCTGCTTGAATTCTCTCCAGGTCATTTGTTGGACACTCCCATAAGAGTCACCAAT-3'

ClinVar aggregate classification (germline): Pathogenic (1 of 4 stars; one submission).

Submission:

Labcorp Genetics (formerly Invitae), Labcorp
Classification: Pathogenic. Last evaluated: 2022-04-07. Review status: criteria provided, single submitter. Criteria: Invitae Variant Classification Sherloc (09022015). Collection method: clinical testing. Allele origin: germline.
Comment: For these reasons, this variant has been classified as Pathogenic. Algorithms developed to predict the effect of sequence changes on RNA splicing suggest that this variant may disrupt the consensus splice site. Disruption of this splice site has been observed in individuals with hereditary angioedema (PMID: 14635117, 15971231; Invitae). This variant is not present in population databases (gnomAD no frequency). This sequence change affects a donor splice site in intron 3 of the SERPING1 gene. It is expected to disrupt RNA splicing. Variants that disrupt the donor or acceptor splice site typically lead to a loss of protein function (PMID: 16199547), and loss-of-function variants in SERPING1 are known to be pathogenic (PMID: 11112899, 24456027).

Literature cited by the submitters: PubMed 14635117; PubMed 15971231; PubMed 16199547; PubMed 11112899; PubMed 24456027.